The following is an entry in ClinVar:

ClinVar aggregate classification (germline): Uncertain significance (1 of 4 stars; one submission).

Conditions:
Hereditary cancer-predisposing syndrome. Also called: Neoplastic Syndromes, Hereditary; Tumor predisposition; Hereditary neoplastic syndrome; Hereditary Cancer Syndrome. Identifiers: Orphanet 140162, MedGen C0027672, MeSH D009386, MONDO:0015356.

Submission:

Ambry Genetics
Classification: Uncertain significance for Hereditary cancer-predisposing syndrome. Last evaluated: 2023-09-21. Review status: criteria provided, single submitter. Criteria: Ambry Variant Classification Scheme 2023. Collection method: clinical testing. Allele origin: germline.
Comment: The p.T83P variant (also known as c.247A>C), located in coding exon 2 of the CDK4 gene, results from an A to C substitution at nucleotide position 247. The threonine at codon 83 is replaced by proline, an amino acid with highly similar properties. This amino acid position is conserved. In addition, this alteration is predicted to be tolerated by in silico analysis. Since supporting evidence is limited at this time, the clinical significance of this alteration remains unclear.

NM_000075.4(CDK4):c.247A>C (p.Thr83Pro)

Gene: CDK4 (cyclin dependent kinase 4; minus strand). Cytogenetic location: 12q14.1.
Variant type: single nucleotide variant.
Coding change: c.247A>C on transcript NM_000075.4 (MANE Select); coding-DNA position 247, A replaced by C.
Protein change: p.Thr83Pro; replaces threonine 83 with proline.
Molecular consequence: missense variant.
Genome position (GRCh38, 1-based): chr12:57,751,314, T>G on the plus strand (A>C on the coding strand, the complement: CDK4 is on the minus strand). VCF-style: chr12-57751314-T-G. GRCh37 (hg19) VCF-style: chr12-58145097-T-G.
Other names: short protein forms T83P.
Identifiers: ClinVar variation 3230231 (VCV003230231.1), dbSNP rs2140387515, ClinGen allele CA385548222.
Genomic context (GRCh38, chr12:57,751,314, plus strand): 5'-ATGTCCTTAGGTCCTGGTCTACATGCTCAAACACCAGGGTTACCTTGATCTCCCGGTCAG[T>G]TCGGGATGTGGCACAGACGTCCATCAGCCTGACCAGAGTAAATGCTCACTTTTCAATCCC-3'
Protein context (NP_000066.1, residues 73-93): RLMDVCATSR[Thr83Pro]DREIKVTLVF